The following is an entry in ClinVar:

ClinVar aggregate classification (germline): Likely pathogenic (1 of 4 stars; one submission).

Conditions:
Hereditary diffuse gastric adenocarcinoma (HDGC). Also called: DIFFUSE GASTRIC AND LOBULAR BREAST CANCER SYNDROME. Identifiers: Orphanet 26106, MedGen C1708349, MONDO:0007648, OMIM 137215.

Submission:

Myriad Genetics, Inc.
Classification: Likely pathogenic for Hereditary diffuse gastric adenocarcinoma. Last evaluated: 2023-06-13. Review status: criteria provided, single submitter. Criteria: Myriad Autosomal Dominant, Autosomal Recessive and X-Linked Classification Criteria (2023). Collection method: clinical testing. Allele origin: unknown.
Comment: This variant is considered likely pathogenic. mRNA analysis has demonstrated abnormal mRNA splicing occurs [Myriad internal data].

NM_004360.5(CDH1):c.1321-9_1331dup

Gene: CDH1 (cadherin 1; plus strand). Cytogenetic location: 16q22.1.
Variant type: Duplication.
Coding change: c.1321-9_1331dup on transcript NM_004360.5 (MANE Select); 9 bases into the intron before coding-DNA position 1321 through coding-DNA position 1331, 20 bases duplicated (GCTCTCTAGGGCTTGGATTT).
Molecular consequence: splice acceptor variant.
Genome position (GRCh38, 1-based): chr16:68,815,506-68,815,525, GCTCTCTAGGGCTTGGATTT duplicated; duplicating any 20 consecutive bases within chr16:68,815,505-68,815,525 gives the same sequence; the c. name uses the placement nearest the transcript's 3' end. VCF-style (leftmost placement, unchanged base first): chr16-68815504-C-CTGCTCTCTAGGGCTTGGATT. GRCh37 (hg19) VCF-style: chr16-68849407-C-CTGCTCTCTAGGGCTTGGATT.
Other names: c.-228-9_-218dup (NM_001317185.2); c.-499-9_-489dup (NM_001317186.2); c.1138-9_1148dup (NM_001317184.2).
Identifiers: ClinVar variation 2583577 (VCV002583577.2), dbSNP rs2543930076, ClinGen allele CA2582342590.